The following is an entry in ClinVar:

NM_001009944.3(PKD1):c.3268_3270del (p.Asn1090del)

Gene: PKD1 (polycystin 1, transient receptor potential channel interacting; minus strand). Cytogenetic location: 16p13.3.
Variant type: Deletion.
Coding change: c.3268_3270del on transcript NM_001009944.3 (MANE Select); coding-DNA positions 3268 to 3270, 3 bases deleted (AAT; older notation c.3268_3270delAAT).
Protein change: p.Asn1090del; deletes asparagine 1090.
Molecular consequence: inframe deletion.
Genome position (GRCh38, 1-based): chr16:2,112,365-2,112,367, ATT deleted on the plus strand (AAT on the coding strand, the reverse complement: PKD1 is on the minus strand). VCF-style (leftmost placement, unchanged base first): chr16-2112364-CATT-C. GRCh37 (hg19) VCF-style: chr16-2162365-CATT-C.
Other names: c.3268_3270del (NM_001009944.2); c.3268_3270del, p.Asn1090del (NM_000296.4); short protein forms N1090del.
Identifiers: ClinVar variation 3382210 (VCV003382210.4).

ClinVar aggregate classification (germline): Uncertain significance. Review status: criteria provided, multiple submitters, no conflicts (2 of 4 stars). 2 submissions from 2 submitters: Uncertain significance (2). Last evaluated 2023-08-25.

Conditions:
Polycystic kidney disease, adult type (PKD1). Also called: POLYCYSTIC KIDNEY DISEASE, ADULT, TYPE I; Polycystic Kidney Disease 1, Autosomal Dominant; Polycystic kidney disease 1; Polycystic kidney disease 1, severe; Polycystic Kidney, Autosomal Dominant; POLYCYSTIC KIDNEY DISEASE 1 WITH OR WITHOUT POLYCYSTIC LIVER DISEASE. Identifiers: MedGen C3149841, MONDO:0008263, OMIM 173900.

Submissions (2):

Genetic Services Laboratory, University of Chicago
Classification: Uncertain significance. Last evaluated: 2023-08-25. Review status: criteria provided, single submitter. Criteria: ACMG Guidelines, 2015. Collection method: clinical testing. Allele origin: germline. Affected: no.
Comment: DNA sequence analysis of the PKD1 demonstrated a 3 base pair deletion in exon 14, c.3268_3270del. This in-frame deletion is predicted to result in the deletion of 1 amino acid residue, p.Asn1090del. This deletion does not appear to have been previously described in individuals with PKD1-related disorders. This deletion has not been described in population databases such as ExAC and gnomAD or in the PKD Foundation variant database. The functional significance of this sequence change is not known at present.

Juno Genomics, Hangzhou Juno Genomics, Inc
Classification: Uncertain significance for Polycystic kidney disease, adult type. Review status: criteria provided, single submitter. Criteria: ACMG Guidelines, 2015. Collection method: clinical testing. Allele origin: germline. Affected: yes.
Comment: Absent from controls (or at extremely low frequency if recessive) in Genome Aggregation Database, Exome Sequencing Project, 1000 Genomes Project, or Exome Aggregation Consortium.;Protein length changes due to in-frame deletions/insertions in a non-repeat region or stop-loss variants.